The following is an entry in ClinVar:

ClinVar aggregate classification (germline): Conflicting classifications of pathogenicity. Review status: criteria provided, conflicting classifications (1 of 4 stars). 5 submissions from 5 submitters: Uncertain significance (2); Likely benign (3). Last evaluated 2025-11-24.

Conditions:
DICER1-related disorder. Also called: DICER1-related condition.
Global developmental delay - lung cysts - overgrowth - Wilms tumor syndrome. Also called: GLOBAL DEVELOPMENTAL DELAY, LUNG CYSTS, OVERGROWTH, AND WILMS TUMOR; GLOW Syndrome. Identifiers: Orphanet 404476, MedGen C4748924, MONDO:0018445, OMIM 618272.
Hereditary cancer-predisposing syndrome. Also called: Neoplastic Syndromes, Hereditary; Hereditary Cancer Syndrome; Tumor predisposition; Hereditary neoplastic syndrome. Identifiers: Orphanet 140162, MedGen C0027672, MeSH D009386, MONDO:0015356.
DICER1-related tumor predisposition. Also called: DICER1 syndrome; DICER1-related pleuropulmonary blastoma cancer predisposition syndrome. Identifiers: Orphanet 284343, MedGen C3839822, MONDO:0100216.

Allele frequency attached by ClinVar (database versions not stated): 1000 Genomes Project 0.00020; gnomAD 0.00004 and 0.00007; gnomAD exomes 0.00005 and 0.00009; TOPMed 0.00005; ESP Exome Variant Server 0.00008; ExAC 0.00012; 1000 Genomes Project 30x 0.00016.
gnomAD v4.1: 80 of 1,614,174 alleles (0.005%); highest among the groups gnomAD compares: South Asian, 0.045%; no homozygotes.

Submissions (5):

Labcorp Genetics (formerly Invitae), Labcorp
Classification: Likely benign for DICER1-related tumor predisposition. Last evaluated: 2025-11-24. Review status: criteria provided, single submitter. Criteria: Invitae Variant Classification Sherloc (09022015). Collection method: clinical testing. Allele origin: germline.

PreventionGenetics, part of Exact Sciences
Classification: Likely benign for DICER1-related condition. Last evaluated: 2024-10-07. Review status: criteria provided, single submitter. Criteria: ACMG Guidelines, 2015. Collection method: clinical testing. Allele origin: germline.
Comment: This variant is classified as likely benign based on ACMG/AMP sequence variant interpretation guidelines (Richards et al. 2015 PMID: 25741868, with internal and published modifications).

Baylor Genetics
Classification: Uncertain significance for Global developmental delay - lung cysts - overgrowth - Wilms tumor syndrome. Last evaluated: 2024-02-20. Review status: criteria provided, single submitter. Criteria: ACMG Guidelines, 2015. Collection method: clinical testing. Allele origin: unknown.

Ambry Genetics
Classification: Likely benign for Hereditary cancer-predisposing syndrome. Last evaluated: 2022-06-17. Review status: criteria provided, single submitter. Criteria: Ambry Variant Classification Scheme 2023. Collection method: clinical testing. Allele origin: germline.

Sema4
Classification: Uncertain significance for Hereditary cancer-predisposing syndrome. Last evaluated: 2022-02-26. Review status: criteria provided, single submitter. Criteria: Sema4 Curation Guidelines. Collection method: curation. Allele origin: germline.
Comment: To the best of our knowledge, the DICER1 c.4889G>A (p.R1630H) variant has not been reported in individuals with DICER1-related disease. It was observed in 19/30616 chromosomes of the South Asian subpopulation with no homozygotes in the large and broad cohorts of the Genome Aggregation Database. The variant has been reported in ClinVar (Variation ID 477226). In silico tools suggest the impact of the variant on protein function is benign, though these predictions have not been confirmed by functional studies. The evidence is insufficient to meet ACMG/AMP criteria for classifying the variant as benign or pathogenic. Thus the clinical significance of this variant is currently uncertain.

NM_177438.3(DICER1):c.4889G>A (p.Arg1630His)

Gene: DICER1 (dicer 1, ribonuclease III; minus strand). Cytogenetic location: 14q32.13.
Variant type: single nucleotide variant.
Coding change: c.4889G>A on transcript NM_177438.3 (MANE Select); coding-DNA position 4889, G replaced by A.
Protein change: p.Arg1630His; replaces arginine 1630 with histidine.
Molecular consequence: missense variant.
Genome position (GRCh38, 1-based): chr14:95,096,031, C>T on the plus strand (G>A on the coding strand, the complement: DICER1 is on the minus strand). VCF-style: chr14-95096031-C-T. GRCh37 (hg19) VCF-style: chr14-95562368-C-T.
Other names: c.4889G>A, p.Arg1630His (NM_001195573.1, NM_001271282.3, NM_001291628.2 and 1 more transcripts); short protein forms R1630H.
Identifiers: ClinVar variation 477226 (VCV000477226.17), dbSNP rs368343829, ClinGen allele CA7330777.